The following is an entry in ClinVar:

NM_004360.5(CDH1):c.55T>C (p.Ser19Pro)

Gene: CDH1 (cadherin 1; plus strand). Cytogenetic location: 16q22.1.
Variant type: single nucleotide variant.
Coding change: c.55T>C on transcript NM_004360.5 (MANE Select); coding-DNA position 55, T replaced by C.
Protein change: p.Ser19Pro; replaces serine 19 with proline.
Molecular consequence: missense variant. On other transcripts: 5 prime UTR variant (2).
Genome position (GRCh38, 1-based): chr16:68,738,303, T>C. VCF-style: chr16-68738303-T-C. GRCh37 (hg19) VCF-style: chr16-68772206-T-C.
Other names: c.55T>C, p.Ser19Pro (NM_001317184.2); c.-1561T>C (NM_001317185.2); c.-1765T>C (NM_001317186.2); short protein forms S19P.
Identifiers: ClinVar variation 2865616 (VCV002865616.4), dbSNP rs1042391377, ClinGen allele CA396451608.

ClinVar aggregate classification (germline): Conflicting classifications of pathogenicity. Review status: criteria provided, conflicting classifications (1 of 4 stars). 2 submissions from 2 submitters: Uncertain significance (1); Likely benign (1). Last evaluated 2025-09-16.

Conditions:
Hereditary diffuse gastric adenocarcinoma (HDGC). Also called: DIFFUSE GASTRIC AND LOBULAR BREAST CANCER SYNDROME. Identifiers: Orphanet 26106, MedGen C1708349, MONDO:0007648, OMIM 137215.
Hereditary cancer-predisposing syndrome. Also called: Hereditary neoplastic syndrome; Hereditary Cancer Syndrome; Neoplastic Syndromes, Hereditary; Tumor predisposition. Identifiers: Orphanet 140162, MedGen C0027672, MeSH D009386, MONDO:0015356.

Submissions (2):

Ambry Genetics
Classification: Likely benign for Hereditary cancer-predisposing syndrome. Last evaluated: 2025-09-16. Review status: criteria provided, single submitter. Criteria: Ambry Variant Classification Scheme 2023. Collection method: clinical testing. Allele origin: germline.

Labcorp Genetics (formerly Invitae), Labcorp
Classification: Uncertain significance for Hereditary diffuse gastric adenocarcinoma. Last evaluated: 2023-05-19. Review status: criteria provided, single submitter. Criteria: Invitae Variant Classification Sherloc (09022015). Collection method: clinical testing. Allele origin: germline.
Comment: This sequence change replaces serine, which is neutral and polar, with proline, which is neutral and non-polar, at codon 19 of the CDH1 protein (p.Ser19Pro). This variant is not present in population databases (gnomAD no frequency). This variant has not been reported in the literature in individuals affected with CDH1-related conditions. Algorithms developed to predict the effect of missense changes on protein structure and function output the following: SIFT: "Not Available"; PolyPhen-2: "Benign"; Align-GVGD: "Not Available". The proline amino acid residue is found in multiple mammalian species, which suggests that this missense change does not adversely affect protein function. In summary, the available evidence is currently insufficient to determine the role of this variant in disease. Therefore, it has been classified as a Variant of Uncertain Significance.